The following is an entry in ClinVar:

ClinVar aggregate classification (germline): Uncertain significance. Review status: criteria provided, multiple submitters, no conflicts (2 of 4 stars). 2 submissions from 2 submitters: Uncertain significance (2). Last evaluated 2020-12-12.

Conditions:
Osteogenesis imperfecta type 16. Also called: Osteogenesis imperfecta, type xvi; OI, TYPE XVI. Identifiers: Orphanet 666, MedGen C4015610, MONDO:0014544, OMIM 616229.

Allele frequency attached by ClinVar (database versions not stated): TOPMed 0.00001.
gnomAD v4.1: 9 of 1,559,208 alleles (0.00058%); highest among the groups gnomAD compares: East Asian, 0.0024%; no homozygotes.

Submissions (2):

GeneDx
Classification: Uncertain significance. Last evaluated: 2020-12-12. Review status: criteria provided, single submitter. Criteria: GeneDx Variant Classification Process June 2021. Collection method: clinical testing. Allele origin: germline. Affected: yes.
Comment: In silico analysis supports that this missense variant does not alter protein structure/function; Has not been previously published as pathogenic or benign to our knowledge

Fulgent Genetics
Classification: Uncertain significance for Osteogenesis imperfecta type 16. Last evaluated: 2018-10-31. Review status: criteria provided, single submitter. Criteria: ACMG Guidelines, 2015. Collection method: clinical testing. Allele origin: unknown.

NM_052854.4(CREB3L1):c.488C>G (p.Pro163Arg)

Gene: CREB3L1 (cAMP responsive element binding protein 3 like 1; plus strand). Cytogenetic location: 11p11.2.
Variant type: single nucleotide variant.
Coding change: c.488C>G on transcript NM_052854.4 (MANE Select); coding-DNA position 488, C replaced by G.
Protein change: p.Pro163Arg; replaces proline 163 with arginine.
Molecular consequence: missense variant.
Genome position (GRCh38, 1-based): chr11:46,307,972, C>G. VCF-style: chr11-46307972-C-G. GRCh37 (hg19) VCF-style: chr11-46329523-C-G.
Other names: short protein forms P163R.
Identifiers: ClinVar variation 432652 (VCV000432652.5), dbSNP rs747612049, ClinGen allele CA380216946.